The following is an entry in ClinVar:

ClinVar aggregate classification (germline): Uncertain significance (1 of 4 stars; one submission).

Conditions:
Dilated cardiomyopathy 1DD (CMD1DD). Identifiers: Orphanet 154, MedGen C2750995, MONDO:0013168, OMIM 613172.

Submission:

Labcorp Genetics (formerly Invitae), Labcorp
Classification: Uncertain significance for Dilated cardiomyopathy 1DD. Last evaluated: 2021-02-07. Review status: criteria provided, single submitter. Criteria: Invitae Variant Classification Sherloc (09022015). Collection method: clinical testing. Allele origin: germline.
Comment: This sequence change falls in intron 4 of the RBM20 gene. It does not directly change the encoded amino acid sequence of the RBM20 protein. It affects a nucleotide within the consensus splice site of the intron. In summary, the available evidence is currently insufficient to determine the role of this variant in disease. Therefore, it has been classified as a Variant of Uncertain Significance. Nucleotide substitutions within the consensus splice site are a relatively common cause of aberrant splicing (PMID: 17576681, 9536098). Algorithms developed to predict the effect of sequence changes on RNA splicing suggest that this variant is not likely to affect RNA splicing, but this prediction has not been confirmed by published transcriptional studies. This variant has not been reported in the literature in individuals with RBM20-related conditions. This variant is not present in population databases (ExAC no frequency).

Literature cited by the submitters: PubMed 17576681; PubMed 9536098.

NM_001134363.3(RBM20):c.1429+6C>G

Gene: RBM20 (RNA binding motif protein 20; plus strand). Cytogenetic location: 10q25.2.
Variant type: single nucleotide variant.
Coding change: c.1429+6C>G on transcript NM_001134363.3 (MANE Select); 6 bases into the intron after coding-DNA position 1429, C replaced by G.
Molecular consequence: intron variant.
Genome position (GRCh38, 1-based): chr10:110,784,438, C>G. VCF-style: chr10-110784438-C-G. GRCh37 (hg19) VCF-style: chr10-112544196-C-G.
Identifiers: ClinVar variation 1519277 (VCV001519277.6), dbSNP rs2135050268, ClinGen allele CA2573145571.